The following is an entry in ClinVar:

ClinVar aggregate classification (germline): Uncertain significance (1 of 4 stars; one submission).

Conditions:
Primary ciliary dyskinesia. Also called: Ciliary dyskinesia. Identifiers: Orphanet 244, MedGen C0008780, MONDO:0016575, HP:0012265.

Submission:

Labcorp Genetics (formerly Invitae), Labcorp
Classification: Uncertain significance for Primary ciliary dyskinesia. Last evaluated: 2025-07-06. Review status: criteria provided, single submitter. Criteria: Invitae Variant Classification Sherloc (09022015). Collection method: clinical testing. Allele origin: germline.
Comment: This sequence change replaces alanine, which is neutral and non-polar, with valine, which is neutral and non-polar, at codon 319 of the DNAH8 protein (p.Ala319Val). This variant is not present in population databases (gnomAD no frequency). This variant has not been reported in the literature in individuals affected with DNAH8-related conditions. Experimental studies and prediction algorithms are not available or were not evaluated, and the functional significance of this variant is currently unknown. In summary, the available evidence is currently insufficient to determine the role of this variant in disease. Therefore, it has been classified as a Variant of Uncertain Significance.

NM_001206927.2(DNAH8):c.956C>T (p.Ala319Val)

Gene: DNAH8 (dynein axonemal heavy chain 8; plus strand). Cytogenetic location: 6p21.2.
Variant type: single nucleotide variant.
Coding change: c.956C>T on transcript NM_001206927.2 (MANE Select); coding-DNA position 956, C replaced by T.
Protein change: p.Ala319Val; replaces alanine 319 with valine.
Molecular consequence: missense variant.
Genome position (GRCh38, 1-based): chr6:38,737,812, C>T. VCF-style: chr6-38737812-C-T. GRCh37 (hg19) VCF-style: chr6-38705588-C-T.
Other names: c.305C>T, p.Ala102Val (NM_001371.4); short protein forms A102V, A319V.
Identifiers: ClinVar variation 4722778 (VCV004722778.1).
Genomic context (GRCh38, chr6:38,737,812, plus strand): 5'-ATATTTAAAATATTTAATATATAAATTAGTATTAAATGTCTTTTTTTTCCTTTTTAGGTG[C>T]TAGAATAAGTATTGAGGGAACAGTGAAGTTAAAGACAATAGACAATGTTAATTTTTCCAA-3'
Protein context (NP_001193856.1, residues 309-329): INRYLSFLDG[Ala319Val]RISIEGTVKL